The following is an entry in ClinVar:

ClinVar aggregate classification (germline): Uncertain significance (1 of 4 stars; one submission).

Allele frequency attached by ClinVar (database versions not stated): TOPMed below 0.00001; gnomAD 0.00001.
gnomAD v4.1: 1 of 1,536,062 alleles (0.000065%); highest among the groups gnomAD compares: African/African-American, 0.0014%; no homozygotes.

Submission:

Labcorp Genetics (formerly Invitae), Labcorp
Classification: Uncertain significance. Last evaluated: 2022-08-15. Review status: criteria provided, single submitter. Criteria: Invitae Variant Classification Sherloc (09022015). Collection method: clinical testing. Allele origin: germline.
Comment: This variant has not been reported in the literature in individuals affected with UNC80-related conditions. This sequence change replaces leucine, which is neutral and non-polar, with valine, which is neutral and non-polar, at codon 1882 of the UNC80 protein (p.Leu1882Val). This variant is not present in population databases (gnomAD no frequency). ClinVar contains an entry for this variant (Variation ID: 1473820). Algorithms developed to predict the effect of missense changes on protein structure and function are either unavailable or do not agree on the potential impact of this missense change (SIFT: "Not Available"; PolyPhen-2: "Probably Damaging"; Align-GVGD: "Not Available"). In summary, the available evidence is currently insufficient to determine the role of this variant in disease. Therefore, it has been classified as a Variant of Uncertain Significance.

NM_001371986.1(UNC80):c.5842C>G (p.Leu1948Val)

Gene: UNC80 (unc-80 subunit of NALCN channel complex; plus strand). Cytogenetic location: 2q34.
Variant type: single nucleotide variant.
Coding change: c.5842C>G on transcript NM_001371986.1 (MANE Select); coding-DNA position 5842, C replaced by G.
Protein change: p.Leu1948Val; replaces leucine 1948 with valine.
Molecular consequence: missense variant.
Genome position (GRCh38, 1-based): chr2:209,929,906, C>G. VCF-style: chr2-209929906-C-G. GRCh37 (hg19) VCF-style: chr2-210794630-C-G.
Other names: c.5644C>G, p.Leu1882Val (NM_032504.2); c.5629C>G, p.Leu1877Val (NM_182587.4); short protein forms L1877V, L1948V, L1882V.
Identifiers: ClinVar variation 1473820 (VCV001473820.8), dbSNP rs2090719780, ClinGen allele CA350766872.